The following is an entry in ClinVar:

NM_031885.5(BBS2):c.126T>G (p.Ile42Met)

Gene: BBS2 (Bardet-Biedl syndrome 2; minus strand). Cytogenetic location: 16q13.
Variant type: single nucleotide variant.
Coding change: c.126T>G on transcript NM_031885.5 (MANE Select); coding-DNA position 126, T replaced by G.
Protein change: p.Ile42Met; replaces isoleucine 42 with methionine.
Molecular consequence: missense variant. On other transcripts: non-coding transcript variant (5).
Genome position (GRCh38, 1-based): chr16:56,514,672, A>C on the plus strand (T>G on the coding strand, the complement: BBS2 is on the minus strand). VCF-style: chr16-56514672-A-C. GRCh37 (hg19) VCF-style: chr16-56548584-A-C.
Other names: c.126T>G, p.Ile42Met (NM_001377456.1); short protein forms I42M.
Identifiers: ClinVar variation 699798 (VCV000699798.19), dbSNP rs139945733, ClinGen allele CA8066105.

ClinVar aggregate classification (germline): Conflicting classifications of pathogenicity. Review status: criteria provided, conflicting classifications (1 of 4 stars). 5 submissions from 5 submitters: Uncertain significance (1); Likely benign (2). 2 of the submissions do not count toward it. Last evaluated 2026-01-20.

Conditions:
BBS2-related disorder. Also called: BBS2-related condition; BBS2-related disorders. Identifiers: MedGen CN239228.
Bardet-Biedl syndrome (BBS). Identifiers: Orphanet 110, MedGen C0752166, MONDO:0015229.
Bardet-Biedl syndrome 2 (BBS2). Identifiers: Orphanet 110, MedGen C2936863, MONDO:0014432, OMIM 615981.

Allele frequency attached by ClinVar (database versions not stated): TOPMed 0.00008; ESP Exome Variant Server 0.00023; gnomAD exomes 0.00036 and 0.00073; 1000 Genomes Project 30x 0.00047; 1000 Genomes Project 0.00060; gnomAD 0.00060 and 0.00061; ExAC 0.00068.
gnomAD v4.1: 612 of 1,612,452 alleles (0.038%); highest among the groups gnomAD compares: Non-Finnish European, 0.02%; 2 homozygotes.

Submissions (5):

Labcorp Genetics (formerly Invitae), Labcorp
Classification: Likely benign for Bardet-Biedl syndrome. Last evaluated: 2026-01-20. Review status: criteria provided, single submitter. Criteria: Invitae Variant Classification Sherloc (09022015). Collection method: clinical testing. Allele origin: germline.

Blueprint Genetics
Classification: Likely benign. Last evaluated: 2024-10-04. Review status: criteria provided, single submitter. Criteria: ACMG Guidelines, 2015. Collection method: clinical testing. Allele origin: germline.

Illumina Laboratory Services, Illumina
Classification: Uncertain significance for Bardet-Biedl syndrome 2. Last evaluated: 2018-01-13. Review status: criteria provided, single submitter. Criteria: ICSL Variant Classification Criteria 13 December 2019. Collection method: clinical testing. Allele origin: germline.

Natera, Inc.
Classification: Benign for Bardet-Biedl syndrome type 2. Last evaluated: 2020-05-08. Review status: no assertion criteria provided. Collection method: clinical testing. Allele origin: germline. Not counted in ClinVar's aggregate classification.

PreventionGenetics, part of Exact Sciences
Classification: Likely benign for BBS2-related condition. Last evaluated: 2019-03-11. Review status: no assertion criteria provided. Collection method: clinical testing. Allele origin: germline. Not counted in ClinVar's aggregate classification.
Comment: This variant is classified as likely benign based on ACMG/AMP sequence variant interpretation guidelines (Richards et al. 2015 PMID: 25741868, with internal and published modifications).